The following is an entry in ClinVar:

NM_015599.3(PGM3):c.322G>C (p.Asp108His)

Gene: PGM3 (phosphoglucomutase 3; minus strand). Cytogenetic location: 6q14.1.
Variant type: single nucleotide variant.
Coding change: c.322G>C on transcript NM_015599.3 (MANE Select); coding-DNA position 322, G replaced by C.
Protein change: p.Asp108His; replaces aspartic acid 108 with histidine.
Molecular consequence: missense variant. On other transcripts: non-coding transcript variant (1).
Genome position (GRCh38, 1-based): chr6:83,188,681, C>G on the plus strand (G>C on the coding strand, the complement: PGM3 is on the minus strand). VCF-style: chr6-83188681-C-G. GRCh37 (hg19) VCF-style: chr6-83898400-C-G.
Other names: c.406G>C, p.Asp136His (NM_001199917.2, NM_001367287.1); c.79G>C, p.Asp27His (NM_001199918.2); c.322G>C, p.Asp108His (NM_001199919.2, NM_001367286.1); short protein forms D108H, D27H, D136H.
Identifiers: ClinVar variation 2092499 (VCV002092499.1), dbSNP rs748936671, ClinGen allele CA3906839.

ClinVar aggregate classification (germline): Uncertain significance (1 of 4 stars; one submission).

Conditions:
Immunodeficiency 23 (IMD23). Also called: IMMUNODEFICIENCY WITH HYPER IgE AND COGNITIVE IMPAIRMENT; IMMUNODEFICIENCY-VASCULITIS-MYOCLONUS SYNDROME. Identifiers: Orphanet 443811, MedGen C4014371, MONDO:0014353, OMIM 615816.

Allele frequency attached by ClinVar (database versions not stated): gnomAD 0.00001; gnomAD exomes 0.00001; TOPMed 0.00001; ExAC 0.00002.
gnomAD v4.1: 16 of 1,613,656 alleles (0.00099%); highest among the groups gnomAD compares: Non-Finnish European, 0.0013%; no homozygotes.

Submission:

Labcorp Genetics (formerly Invitae), Labcorp
Classification: Uncertain significance for Immunodeficiency 23. Last evaluated: 2022-02-03. Review status: criteria provided, single submitter. Criteria: Invitae Variant Classification Sherloc (09022015). Collection method: clinical testing. Allele origin: germline.
Comment: This sequence change replaces aspartic acid, which is acidic and polar, with histidine, which is basic and polar, at codon 136 of the PGM3 protein (p.Asp136His). This variant is present in population databases (rs748936671, gnomAD 0.003%). This variant has not been reported in the literature in individuals affected with PGM3-related conditions. Algorithms developed to predict the effect of missense changes on protein structure and function (SIFT, PolyPhen-2, Align-GVGD) all suggest that this variant is likely to be tolerated. In summary, the available evidence is currently insufficient to determine the role of this variant in disease. Therefore, it has been classified as a Variant of Uncertain Significance.